The following is an entry in ClinVar:

NM_138295.5(PKD1L1):c.5867G>A (p.Arg1956His)

Gene: PKD1L1 (polycystin 1 like 1, transient receptor potential channel interacting; minus strand). Cytogenetic location: 7p12.3.
Variant type: single nucleotide variant.
Coding change: c.5867G>A on transcript NM_138295.5 (MANE Select); coding-DNA position 5867, G replaced by A.
Protein change: p.Arg1956His; replaces arginine 1956 with histidine.
Molecular consequence: missense variant.
Genome position (GRCh38, 1-based): chr7:47,836,997, C>T on the plus strand (G>A on the coding strand, the complement: PKD1L1 is on the minus strand). VCF-style: chr7-47836997-C-T. GRCh37 (hg19) VCF-style: chr7-47876595-C-T.
Other names: short protein forms R1956H.
Identifiers: ClinVar variation 3213561 (VCV003213561.3), dbSNP rs777027335, ClinGen allele CA4252696.

ClinVar aggregate classification (germline): Uncertain significance. Review status: criteria provided, multiple submitters, no conflicts (2 of 4 stars). 2 submissions from 2 submitters: Uncertain significance (2). Last evaluated 2024-03-18.

Conditions:
Inborn genetic diseases. Identifiers: MedGen C0950123, MeSH D030342.

Allele frequency attached by ClinVar (database versions not stated): gnomAD 0.00001; gnomAD exomes 0.00001; TOPMed 0.00002; ExAC 0.00003.
gnomAD v4.1: 19 of 1,614,022 alleles (0.0012%); highest among the groups gnomAD compares: East Asian, 0.0089%; no homozygotes.

Submissions (2):

Labcorp Genetics (formerly Invitae), Labcorp
Classification: Uncertain significance. Last evaluated: 2024-03-18. Review status: criteria provided, single submitter. Criteria: Invitae Variant Classification Sherloc (09022015). Collection method: clinical testing. Allele origin: germline.
Comment: This sequence change replaces arginine, which is basic and polar, with histidine, which is basic and polar, at codon 1956 of the PKD1L1 protein (p.Arg1956His). This variant is present in population databases (rs777027335, gnomAD 0.01%). This variant has not been reported in the literature in individuals affected with PKD1L1-related conditions. Advanced modeling of protein sequence and biophysical properties (such as structural, functional, and spatial information, amino acid conservation, physicochemical variation, residue mobility, and thermodynamic stability) performed at Invitae indicates that this missense variant is expected to disrupt PKD1L1 protein function with a positive predictive value of 80%. In summary, the available evidence is currently insufficient to determine the role of this variant in disease. Therefore, it has been classified as a Variant of Uncertain Significance.

Ambry Genetics
Classification: Uncertain significance for Inborn genetic diseases. Last evaluated: 2023-10-10. Review status: criteria provided, single submitter. Criteria: Ambry Variant Classification Scheme 2023. Collection method: clinical testing. Allele origin: germline.